The following is an entry in ClinVar:

ClinVar aggregate classification (germline): Likely pathogenic (1 of 4 stars; one submission).

Conditions:
Autosomal recessive limb-girdle muscular dystrophy type 2O. Also called: Limb-Girdle Muscular Dystrophy Type 3C; MUSCULAR DYSTROPHY-DYSTROGLYCANOPATHY (LIMB-GIRDLE), TYPE C, 3; MUSCULAR DYSTROPHY-DYSTROGLYCANOPATHY, LIMB-GIRDLE, POMGNT1-RELATED. Identifiers: Orphanet 206564, MedGen C3150417, MONDO:0013161, OMIM 613157.
Muscular dystrophy-dystroglycanopathy (congenital with impaired intellectual development), type B, 3. Also called: MUSCULAR DYSTROPHY, CONGENITAL, POMGNT1-RELATED; Muscular dystrophy-dystroglycanopathy (congenital with intellectual disability), type B3. Identifiers: MedGen C3150412, MONDO:0013155, OMIM 613151.

Submission:

Labcorp Genetics (formerly Invitae), Labcorp
Classification: Likely pathogenic for Autosomal recessive limb-girdle muscular dystrophy type 2O; Muscular dystrophy-dystroglycanopathy (congenital with impaired intellectual development), type B, 3. Last evaluated: 2022-09-18. Review status: criteria provided, single submitter. Criteria: Invitae Variant Classification Sherloc (09022015). Collection method: clinical testing. Allele origin: germline.
Comment: In summary, the currently available evidence indicates that the variant is pathogenic, but additional data are needed to prove that conclusively. Therefore, this variant has been classified as Likely Pathogenic. Algorithms developed to predict the effect of sequence changes on RNA splicing suggest that this variant may disrupt the consensus splice site. This variant has not been reported in the literature in individuals affected with POMGNT1-related conditions. This variant is not present in population databases (gnomAD no frequency). This sequence change affects an acceptor splice site in intron 3 of the POMGNT1 gene. It is expected to disrupt RNA splicing. Variants that disrupt the donor or acceptor splice site typically lead to a loss of protein function (PMID: 16199547), and loss-of-function variants in POMGNT1 are known to be pathogenic (PMID: 19299310, 20816175, 21447391, 26908613, 27391550).

Literature cited by the submitters: PubMed 16199547; PubMed 19299310; PubMed 20816175; PubMed 21447391; PubMed 26908613; PubMed 27391550.

NM_017739.4(POMGNT1):c.236-1G>C

Gene: POMGNT1 (protein O-linked mannose N-acetylglucosaminyltransferase 1 (beta 1,2-); minus strand). Cytogenetic location: 1p34.1.
Variant type: single nucleotide variant.
Coding change: c.236-1G>C on transcript NM_017739.4 (MANE Select); the canonical splice acceptor site of the intron before coding-DNA position 236, G replaced by C.
Molecular consequence: splice acceptor variant.
Genome position (GRCh38, 1-based): chr1:46,196,850, C>G on the plus strand (G>C on the coding strand, the complement: POMGNT1 is on the minus strand). VCF-style: chr1-46196850-C-G. GRCh37 (hg19) VCF-style: chr1-46662522-C-G.
Other names: c.236-1G>C (NM_001243766.2, NM_001438686.1, NM_001438688.1 and 3 more transcripts); c.170-1G>C (NM_001290129.3, NM_001438691.1, NM_001438692.1); c.-194-1G>C (NM_001290130.2).
Identifiers: ClinVar variation 2031067 (VCV002031067.4), dbSNP rs1057516477, ClinGen allele CA340191776.
Genomic context (GRCh38, chr1:46,196,850, plus strand): 5'-GGACCCGCCGGGGACCACTGCCTCTGCGCCGTGGGGGCTCCAGGCGGCCTAGGGCCTCAT[C>G]TGTGGGGTACAACAGGTCATGGAGATAGTCTCCTCAGCAGAGTCTCACCGCTTAGGGTCT-3'